The following is an entry in ClinVar:

NM_001008212.2(OPTN):c.370-1G>A

Gene: OPTN (optineurin; plus strand). Cytogenetic location: 10p13.
Variant type: single nucleotide variant.
Coding change: c.370-1G>A on transcript NM_001008212.2 (MANE Select); the canonical splice acceptor site of the intron before coding-DNA position 370, G replaced by A.
Molecular consequence: splice acceptor variant.
Genome position (GRCh38, 1-based): chr10:13,112,452, G>A. VCF-style: chr10-13112452-G-A. GRCh37 (hg19) VCF-style: chr10-13154452-G-A.
Other names: c.370-1G>A (NM_001008211.1, NM_001008213.1, NM_021980.4).
Identifiers: ClinVar variation 1478014 (VCV001478014.6), dbSNP rs2131488754, ClinGen allele CA376027765.
Genomic context (GRCh38, chr10:13,112,452, plus strand): 5'-AGCCCATGGTGCCCAGCCTTAGTTTGATCTGTTCATTCACTTTACTCCTTGTCATCTCCA[G>A]GACCCCACTGATGACTCCAGGCTTCCCAGGGCCGAAGCGGAGCAGGAAAAGGACCAGCTC-3'

ClinVar aggregate classification (germline): Likely pathogenic (1 of 4 stars; one submission).

Conditions:
Primary open angle glaucoma (POAG). Also called: OPTN-related open angle glaucoma. Identifiers: MedGen C0339573, MONDO:0100553, OMIM 137760.
Glaucoma 1, open angle, E. Identifiers: MedGen C1842026, MONDO:0007665.
Amyotrophic lateral sclerosis type 12 (ALS12). Also called: AMYOTROPHIC LATERAL SCLEROSIS 12 WITH OR WITHOUT FRONTOTEMPORAL DEMENTIA. Identifiers: Orphanet 803, MedGen C3150692, MONDO:0013264, OMIM 613435.

Allele frequency attached by ClinVar (database versions not stated): gnomAD exomes below 0.00001.
gnomAD v4.1: 1 of 1,613,928 alleles (0.000062%); highest among the groups gnomAD compares: Non-Finnish European, 0.000085%; no homozygotes.

Submission:

Labcorp Genetics (formerly Invitae), Labcorp
Classification: Likely pathogenic for Primary open angle glaucoma; Glaucoma 1, open angle, E; Amyotrophic lateral sclerosis type 12. Last evaluated: 2022-12-31. Review status: criteria provided, single submitter. Criteria: Invitae Variant Classification Sherloc (09022015). Collection method: clinical testing. Allele origin: germline.
Comment: In summary, the currently available evidence indicates that the variant is pathogenic, but additional data are needed to prove that conclusively. Therefore, this variant has been classified as Likely Pathogenic. Algorithms developed to predict the effect of sequence changes on RNA splicing suggest that this variant may disrupt the consensus splice site. ClinVar contains an entry for this variant (Variation ID: 1478014). This variant has not been reported in the literature in individuals affected with OPTN-related conditions. This variant is not present in population databases (gnomAD no frequency). This sequence change affects an acceptor splice site in intron 3 of the OPTN gene. It is expected to disrupt RNA splicing. Variants that disrupt the donor or acceptor splice site typically lead to a loss of protein function (PMID: 16199547), and loss-of-function variants in OPTN are known to be pathogenic (PMID: 20428114).

Literature cited by the submitters: PubMed 16199547; PubMed 20428114.